The following is an entry in ClinVar:

NM_024301.5(FKRP):c.66C>T (p.Phe22=)

Gene: FKRP (fukutin related protein; plus strand). Cytogenetic location: 19q13.32.
Variant type: single nucleotide variant.
Coding change: c.66C>T on transcript NM_024301.5 (MANE Select); coding-DNA position 66, C replaced by T.
Protein change: p.Phe22=; no amino-acid change (phenylalanine 22 retained).
Molecular consequence: synonymous variant.
Genome position (GRCh38, 1-based): chr19:46,755,516, C>T. VCF-style: chr19-46755516-C-T. GRCh37 (hg19) VCF-style: chr19-47258773-C-T.
Other names: c.66C>T, p.Phe22= (NM_001039885.3).
Identifiers: ClinVar variation 511931 (VCV000511931.9), dbSNP rs995818740, ClinGen allele CA309099171.

ClinVar aggregate classification (germline): Likely benign. Review status: criteria provided, multiple submitters, no conflicts (2 of 4 stars). 2 submissions from 2 submitters: Likely benign (2). Last evaluated 2025-08-11.

Conditions:
Walker-Warburg congenital muscular dystrophy. Also called: Muscular dystrophy-dystroglycanopathy, type A; Walker-Warburg syndrome. Identifiers: Orphanet 899, MedGen C0265221, MONDO:0000171.

Allele frequency attached by ClinVar (database versions not stated): TOPMed below 0.00001; gnomAD 0.00001.
gnomAD v4.1: 13 of 1,610,896 alleles (0.00081%); highest among the groups gnomAD compares: Non-Finnish European, 0.0011%; no homozygotes.

Submissions (2):

Labcorp Genetics (formerly Invitae), Labcorp
Classification: Likely benign for Walker-Warburg congenital muscular dystrophy. Last evaluated: 2025-08-11. Review status: criteria provided, single submitter. Criteria: Invitae Variant Classification Sherloc (09022015). Collection method: clinical testing. Allele origin: germline.

GeneDx
Classification: Likely benign. Last evaluated: 2017-09-08. Review status: criteria provided, single submitter. Criteria: GeneDx Variant Classification (06012015). Collection method: clinical testing. Allele origin: germline. Affected: yes.
Comment: This variant is considered likely benign or benign based on one or more of the following criteria: it is a conservative change, it occurs at a poorly conserved position in the protein, it is predicted to be benign by multiple in silico algorithms, and/or has population frequency not consistent with disease.